The following is an entry in ClinVar:

NM_201253.3(CRB1):c.3739A>G (p.Lys1247Glu)

Gene: CRB1 (crumbs cell polarity complex component 1; plus strand). Cytogenetic location: 1q31.3.
Variant type: single nucleotide variant.
Coding change: c.3739A>G on transcript NM_201253.3 (MANE Select); coding-DNA position 3739, A replaced by G.
Protein change: p.Lys1247Glu; replaces lysine 1247 with glutamic acid.
Molecular consequence: missense variant. On other transcripts: non-coding transcript variant (2).
Genome position (GRCh38, 1-based): chr1:197,435,602, A>G. VCF-style: chr1-197435602-A-G. GRCh37 (hg19) VCF-style: chr1-197404732-A-G.
Other names: c.3403A>G, p.Lys1135Glu (NM_001193640.2); c.3667A>G, p.Lys1223Glu (NM_001257965.2); c.2131A>G, p.Lys711Glu (NM_001257966.2); short protein forms K1135E, K711E, K1223E, K1247E.
Identifiers: ClinVar variation 966250 (VCV000966250.7), dbSNP rs1222907981, ClinGen allele CA344050679.

ClinVar aggregate classification (germline): Uncertain significance (1 of 4 stars; one submission).

Conditions:
Leber congenital amaurosis 8 (LCA8). Identifiers: Orphanet 65, MedGen C3151202, MONDO:0013453, OMIM 613835.
Retinitis pigmentosa 12 (RP12). Also called: RP WITH OR WITHOUT PRESERVED PARAARTERIOLE RETINAL PIGMENT EPITHELIUM; RETINITIS PIGMENTOSA WITH OR WITHOUT PARAARTERIOLAR PRESERVATION OF RETINAL PIGMENT EPITHELIUM; RP WITH OR WITHOUT PPRPE. Identifiers: Orphanet 791, MedGen C1838647, MONDO:0010818, OMIM 600105.

Allele frequency attached by ClinVar (database versions not stated): gnomAD exomes below 0.00001; TOPMed below 0.00001; gnomAD 0.00001.
gnomAD v4.1: 5 of 1,612,034 alleles (0.00031%); highest among the groups gnomAD compares: Non-Finnish European, 0.00042%; no homozygotes.

Submission:

Labcorp Genetics (formerly Invitae), Labcorp
Classification: Uncertain significance for Leber congenital amaurosis 8; Retinitis pigmentosa 12. Last evaluated: 2022-03-10. Review status: criteria provided, single submitter. Criteria: Invitae Variant Classification Sherloc (09022015). Collection method: clinical testing. Allele origin: germline.
Comment: This sequence change replaces lysine, which is basic and polar, with glutamic acid, which is acidic and polar, at codon 1247 of the CRB1 protein (p.Lys1247Glu). This variant is present in population databases (no rsID available, gnomAD 0.0009%). This variant has not been reported in the literature in individuals affected with CRB1-related conditions. ClinVar contains an entry for this variant (Variation ID: 966250). Advanced modeling of protein sequence and biophysical properties (such as structural, functional, and spatial information, amino acid conservation, physicochemical variation, residue mobility, and thermodynamic stability) performed at Invitae indicates that this missense variant is not expected to disrupt CRB1 protein function. In summary, the available evidence is currently insufficient to determine the role of this variant in disease. Therefore, it has been classified as a Variant of Uncertain Significance.